The following is an entry in ClinVar:

NM_031372.4(HNRNPDL):c.1136A>G (p.Tyr379Cys)

Gene: HNRNPDL (heterogeneous nuclear ribonucleoprotein D like; minus strand). Cytogenetic location: 4q21.22.
Variant type: single nucleotide variant.
Coding change: c.1136A>G on transcript NM_031372.4 (MANE Select); coding-DNA position 1136, A replaced by G.
Protein change: p.Tyr379Cys; replaces tyrosine 379 with cysteine.
Molecular consequence: missense variant. On other transcripts: non-coding transcript variant (1), intron variant (1).
Genome position (GRCh38, 1-based): chr4:82,426,519, T>C on the plus strand (A>G on the coding strand, the complement: HNRNPDL is on the minus strand). VCF-style: chr4-82426519-T-C. GRCh37 (hg19) VCF-style: chr4-83347672-T-C.
Other names: c.1022-390A>G (NM_001207000.1); short protein forms Y379C.
Identifiers: ClinVar variation 1491870 (VCV001491870.6), dbSNP rs749371373, ClinGen allele CA2984774.

ClinVar aggregate classification (germline): Uncertain significance (1 of 4 stars; one submission).

Conditions:
Autosomal dominant limb-girdle muscular dystrophy type 1G (LGMDD3). Also called: Limb-girdle muscular dystrophy, type 1G; MUSCULAR DYSTROPHY, LIMB-GIRDLE, AUTOSOMAL DOMINANT 3. Identifiers: Orphanet 55596, MedGen C1836765, MONDO:0012193, OMIM 609115.

Allele frequency attached by ClinVar (database versions not stated): ExAC 0.00001; gnomAD exomes 0.00001.

Submission:

Labcorp Genetics (formerly Invitae), Labcorp
Classification: Uncertain significance for Autosomal dominant limb-girdle muscular dystrophy type 1G. Last evaluated: 2022-01-11. Review status: criteria provided, single submitter. Criteria: Invitae Variant Classification Sherloc (09022015). Collection method: clinical testing. Allele origin: germline.
Comment: In summary, the available evidence is currently insufficient to determine the role of this variant in disease. Therefore, it has been classified as a Variant of Uncertain Significance. Algorithms developed to predict the effect of missense changes on protein structure and function (SIFT, PolyPhen-2, Align-GVGD) all suggest that this variant is likely to be disruptive. This variant has not been reported in the literature in individuals affected with HNRNPDL-related conditions. This variant is present in population databases (rs749371373, gnomAD 0.006%). This sequence change replaces tyrosine, which is neutral and polar, with cysteine, which is neutral and slightly polar, at codon 379 of the HNRNPDL protein (p.Tyr379Cys).